The following is an entry in ClinVar:

NM_000059.4(BRCA2):c.4872_4873del (p.Glu1625fs)

Gene: BRCA2 (BRCA2 DNA repair associated; plus strand). Cytogenetic location: 13q13.1.
Variant type: Deletion.
Coding change: c.4872_4873del on transcript NM_000059.4 (MANE Select); coding-DNA positions 4872 to 4873, 2 bases deleted (TG; older notation c.4872_4873delTG).
Protein change: p.Glu1625fs; shifts the reading frame from glutamic acid 1625.
Molecular consequence: frameshift variant.
Genome position (GRCh38, 1-based): chr13:32,339,227-32,339,228, TG deleted. VCF-style (leftmost placement, unchanged base first): chr13-32339226-CTG-C. GRCh37 (hg19) VCF-style: chr13-32913363-CTG-C.
Other names: short protein forms E1625fs.
Identifiers: ClinVar variation 1743727 (VCV001743727.8), dbSNP rs2548529487, ClinGen allele CA2499222181.
Genomic context (GRCh38, chr13:32,339,226, plus strand): 5'-TTGTTTCTATTGAGACTGTGGTGCCACCTAAGCTCTTAAGTGATAATTTATGTAGACAAA[CTG>C]AAAATCTCAAAACATCAAAAAGTATCTTTTTGAAAGTTAAAGTACATGAAAATGTAGAAA-3'

ClinVar aggregate classification (germline): Pathogenic. Review status: criteria provided, multiple submitters, no conflicts (2 of 4 stars). 2 submissions from 2 submitters: Pathogenic (2). Last evaluated 2024-09-10.

Conditions:
Hereditary cancer-predisposing syndrome. Also called: Hereditary Cancer Syndrome; Neoplastic Syndromes, Hereditary; Tumor predisposition; Hereditary neoplastic syndrome. Identifiers: Orphanet 140162, MedGen C0027672, MeSH D009386, MONDO:0015356.
Hereditary breast ovarian cancer syndrome. Also called: Breast and ovarian cancer; Hereditary breast and ovarian cancer; Hereditary breast and/or ovarian cancer syndrome; BRCA1- and BRCA2-Associated Hereditary Breast and Ovarian Cancer; Hereditary breast and ovarian cancer syndrome (HBOC); Hereditary breast and ovarian cancer syndrome. Identifiers: Orphanet 145, MedGen C0677776, MeSH D061325, MONDO:0003582. Disease mechanism: loss of function.

Submissions (2):

Ambry Genetics
Classification: Pathogenic for Hereditary cancer-predisposing syndrome. Last evaluated: 2024-09-10. Review status: criteria provided, single submitter. Criteria: Ambry Variant Classification Scheme 2023. Collection method: clinical testing. Allele origin: germline.
Comment: The c.4872_4873delTG pathogenic mutation, located in coding exon 10 of the BRCA2 gene, results from a deletion of two nucleotides at nucleotide positions 4872 to 4873, causing a translational frameshift with a predicted alternate stop codon (p.E1625Kfs*13). This variant is considered to be rare based on population cohorts in the Genome Aggregation Database (gnomAD). This alteration is expected to result in loss of function by premature protein truncation or nonsense-mediated mRNA decay. As such, this alteration is interpreted as a disease-causing mutation.

Labcorp Genetics (formerly Invitae), Labcorp
Classification: Pathogenic for Hereditary breast ovarian cancer syndrome. Last evaluated: 2023-06-05. Review status: criteria provided, single submitter. Criteria: Invitae Variant Classification Sherloc (09022015). Collection method: clinical testing. Allele origin: germline.
Comment: For these reasons, this variant has been classified as Pathogenic. ClinVar contains an entry for this variant (Variation ID: 1743727). This premature translational stop signal has been observed in individual(s) with breast and/or ovarian cancer (PMID: 22006311, 28993434). This variant is not present in population databases (gnomAD no frequency). This sequence change creates a premature translational stop signal (p.Glu1625Lysfs*13) in the BRCA2 gene. It is expected to result in an absent or disrupted protein product. Loss-of-function variants in BRCA2 are known to be pathogenic (PMID: 20104584).

Literature cited by the submitters: PubMed 22006311 (cited by Labcorp Genetics (formerly Invitae), Labcorp); PubMed 28993434 (cited by Labcorp Genetics (formerly Invitae), Labcorp); PubMed 20104584 (cited by Labcorp Genetics (formerly Invitae), Labcorp).